The following is an entry in ClinVar:

ClinVar aggregate classification (germline): Uncertain significance. Review status: criteria provided, multiple submitters, no conflicts (2 of 4 stars). 2 submissions from 2 submitters: Uncertain significance (2). Last evaluated 2024-01-23.

Conditions:
Myoclonic dystonia 26. Identifiers: MedGen C4225341, MONDO:0014620, OMIM 616398.

Submissions (2):

GeneDx
Classification: Uncertain significance. Last evaluated: 2024-01-23. Review status: criteria provided, single submitter. Criteria: GeneDx Variant Classification Process June 2021. Collection method: clinical testing. Allele origin: germline. Affected: yes.
Comment: Not observed at significant frequency in large population cohorts (gnomAD); In silico analysis supports that this missense variant has a deleterious effect on protein structure/function; Has not been previously published as pathogenic or benign to our knowledge

Labcorp Genetics (formerly Invitae), Labcorp
Classification: Uncertain significance for Myoclonic dystonia 26. Last evaluated: 2022-03-18. Review status: criteria provided, single submitter. Criteria: Invitae Variant Classification Sherloc (09022015). Collection method: clinical testing. Allele origin: germline.
Comment: This sequence change replaces glutamic acid, which is acidic and polar, with lysine, which is basic and polar, at codon 153 of the KCTD17 protein (p.Glu153Lys). This variant is not present in population databases (gnomAD no frequency). This variant has not been reported in the literature in individuals affected with KCTD17-related conditions. Algorithms developed to predict the effect of missense changes on protein structure and function are either unavailable or do not agree on the potential impact of this missense change (SIFT: "Deleterious"; PolyPhen-2: "Benign"; Align-GVGD: "Class C55"). In summary, the available evidence is currently insufficient to determine the role of this variant in disease. Therefore, it has been classified as a Variant of Uncertain Significance.

NM_001282684.2(KCTD17):c.436G>A (p.Glu146Lys)

Gene: KCTD17 (potassium channel tetramerization domain containing 17; plus strand). Cytogenetic location: 22q12.3.
Variant type: single nucleotide variant.
Coding change: c.436G>A on transcript NM_001282684.2 (MANE Select); coding-DNA position 436, G replaced by A.
Protein change: p.Glu146Lys; replaces glutamic acid 146 with lysine.
Molecular consequence: missense variant.
Genome position (GRCh38, 1-based): chr22:37,057,443, G>A. VCF-style: chr22-37057443-G-A. GRCh37 (hg19) VCF-style: chr22-37453483-G-A.
Other names: c.457G>A (NM_001282684.1); c.436G>A, p.Glu146Lys (NM_001282685.2, NM_001282686.2, NM_024681.4); short protein forms E146K.
Identifiers: ClinVar variation 1974785 (VCV001974785.6), dbSNP rs2517687893, ClinGen allele CA411414161.
Genomic context (GRCh38, chr22:37,057,443, plus strand): 5'-CCCTTCTGCCCACAGGTCCCACCCAAGCACGTGTACCGCGTGCTGCAGTGCCAGGAGGAG[G>A]AGCTCACGCAAATGGTCTCCACCATGTCTGATGGCTGGCGCTTCGAGCAGGTGCGCTGGG-3'
Protein context (NP_001269613.2, residues 136-156): VYRVLQCQEE[Glu146Lys]LTQMVSTMSD